The following is an entry in ClinVar:

ClinVar aggregate classification (germline): Pathogenic. Review status: criteria provided, multiple submitters, no conflicts (2 of 4 stars). 11 submissions from 11 submitters: Pathogenic (10). 1 of the submissions does not count toward it. Last evaluated 2026-06-15.

Conditions:
BCKDHA-related disorder. Also called: BCKDHA-related condition.
Maple syrup urine disease type 1A (MSUD1A). Also called: MSUD type 1A. Identifiers: MedGen C1855369, MONDO:0023691, OMIM 248600.
Maple syrup urine disease (MSUD). Identifiers: Orphanet 511, MedGen C0024776, MeSH D008375, MONDO:0009563. Disease mechanism: loss of function.

Allele frequency attached by ClinVar (database versions not stated): ExAC 0.00003; gnomAD exomes 0.00003; gnomAD 0.00008 and 0.00009; TOPMed 0.00006.
gnomAD v4.1: 89 of 1,614,022 alleles (0.0055%); highest among the groups gnomAD compares: Non-Finnish European, 0.0072%; no homozygotes.

Submissions (12):

Women's Health and Genetics/Laboratory Corporation of America, LabCorp
Classification: Pathogenic for Maple syrup urine disease. Last evaluated: 2026-06-15. Review status: criteria provided, single submitter. Criteria: LabCorp Variant Classification Summary - May 2015. Collection method: clinical testing. Allele origin: germline.
Comment: Variant summary: BCKDHA c.853G>C (p.Ala285Pro), also reported as p.Ala240Pro, results in a non-conservative amino acid change in the encoded protein sequence. Algorithms developed to predict the effect of missense changes on protein structure and function all suggest that this variant is likely to be disruptive. Several computational tools predict a significant impact on normal splicing: One predicts the variant abolishes a 5' splicing donor site. Two predict the variant weakens a 5' donor site. One predicts the variant strengthens a cryptic 5' donor site. However, these predictions have yet to be confirmed by functional studies. The variant allele was found at a frequency of 3.2e-05 in 251378 control chromosomes. c.853G>C has been observed in the homozygous state in at least 1 individual(s) affected with maple syrup urine disease and undetectable enzymatic activity in patient fibroblasts (MSUD; example, Henneke_2003). These data indicate that the variant may be associated with disease. At least one publication reports experimental evidence evaluating an impact on protein function. The most pronounced variant effect results in <10% of normal activity in vitro (example, Wynn_1998). The following publications have been ascertained in the context of this evaluation (PMID: 9582350, 14517957). ClinVar contains an entry for this variant (Variation ID: 93375). Based on the evidence outlined above, the variant was classified as pathogenic.

Natera, Inc.
Classification: Pathogenic for Maple syrup urine disease type 1A. Last evaluated: 2025-11-12. Review status: criteria provided, single submitter. Criteria: Natera Variant Classification Schema (03/2026). Collection method: clinical testing. Allele origin: germline.
Comment: The c.853G>C variant in BCKDHA is a missense variant predicted to cause substitution of alanine to proline at amino acid 285. This variant is rare in the general population with a frequency below the threshold expected for the associated phenotype(s). This variant has been observed in one or more individuals affected with the associated recessive disease, as either homozygous or compound heterozygous with a second variant (PMID: 9582350, 14517957, 26232051). Functional studies show that this variant may disrupt protein function (PMID: 14517957). Computational prediction algorithms indicate this variant is likely to affect gene or protein function. Given the available evidence, this variant is classified as Pathogenic.

Labcorp Genetics (formerly Invitae), Labcorp
Classification: Pathogenic for Maple syrup urine disease. Last evaluated: 2024-07-12. Review status: criteria provided, single submitter. Criteria: Invitae Variant Classification Sherloc (09022015). Collection method: clinical testing. Allele origin: germline.
Comment: This sequence change replaces alanine, which is neutral and non-polar, with proline, which is neutral and non-polar, at codon 285 of the BCKDHA protein (p.Ala285Pro). This variant also falls at the last nucleotide of exon 6, which is part of the consensus splice site for this exon. This variant is present in population databases (rs398123508, gnomAD 0.008%). This missense change has been observed in individual(s) with maple syrup urine disease (PMID: 9582350, 14517957, 26232051). This variant is also known as A240P. ClinVar contains an entry for this variant (Variation ID: 93375). An algorithm developed to predict the effect of missense changes on protein structure and function (PolyPhen-2) suggests that this variant is likely to be disruptive. Experimental studies have shown that this missense change affects BCKDHA function (PMID: 9582350). Variants that disrupt the consensus splice site are a relatively common cause of aberrant splicing (PMID: 17576681, 9536098). Algorithms developed to predict the effect of sequence changes on RNA splicing suggest that this variant may disrupt the consensus splice site. For these reasons, this variant has been classified as Pathogenic.

Baylor Genetics
Classification: Pathogenic for Maple syrup urine disease type 1A. Last evaluated: 2024-01-16. Review status: criteria provided, single submitter. Criteria: ACMG Guidelines, 2015. Collection method: clinical testing. Allele origin: unknown.

Blueprint Genetics
Classification: Pathogenic for BCKDHA-related disorders. Last evaluated: 2023-07-04. Review status: criteria provided, single submitter. Criteria: ACMG Guidelines, 2015. Collection method: clinical testing. Allele origin: germline. Affected: yes. Observed: 2 variant alleles.

Fulgent Genetics
Classification: Pathogenic for Maple syrup urine disease type 1A. Last evaluated: 2022-04-28. Review status: criteria provided, single submitter. Criteria: ACMG Guidelines, 2015. Collection method: clinical testing. Allele origin: unknown.

Genome-Nilou Lab
Classification: Pathogenic for Maple syrup urine disease type 1A. Last evaluated: 2021-11-07. Review status: criteria provided, single submitter. Criteria: ACMG Guidelines, 2015. Collection method: clinical testing. Allele origin: germline. Affected: no.

Center for Pediatric Genomic Medicine, Children's Mercy Hospital and Clinics
Classification: Pathogenic. Last evaluated: 2015-07-01. Review status: criteria provided, single submitter. Criteria: ACMG Guidelines, 2015. Collection method: clinical testing. Allele origin: germline.

Eurofins Ntd Llc (ga)
Classification: Pathogenic. Last evaluated: 2013-04-18. Review status: criteria provided, single submitter. Criteria: EGL Classification Definitions. Collection method: clinical testing. Allele origin: germline. Observed: 1 variant allele, 1 heterozygote.

National Newborn Screening Laboratory, Hospital Nacional de Niños
Classification: Pathogenic for Maple syrup urine disease type 1A. Review status: criteria provided, single submitter. Criteria: ACMG Guidelines, 2015. Collection method: clinical testing. Allele origin: paternal. Inheritance: Autosomal recessive inheritance. Affected: yes. Observed: 1 compound heterozygote. Segregation with disease observed.
Comment: This is a null variant in a gene where the loss of function is a known disease mechanism. It is located within exon 6 and generates a change from the amino acid Alanine to a Proline in position 285. It is present in population databases in low frequency (GnomAD exomes: 0.000032, ExAc: 0.000033). This variant has been published in the literature associated with individuals with MSUD (PMID: 9582350, PMID: 26232051).

Counsyl
Classification: Likely pathogenic for Maple syrup urine disease type 1A. Last evaluated: 2017-06-07. Review status: no assertion criteria provided. Collection method: clinical testing. Allele origin: unknown. Not counted in ClinVar's aggregate classification.

Dr. Peter K. Rogan Lab, Western University
No classification provided (evidence only). Condition: Cervical cancer. Review status: no classification provided. Collection method: in vitro. Allele origin: not applicable. Functional consequence: skipped exon, retained intron. Not counted in ClinVar's aggregate classification.

Literature cited by the submitters: PubMed 14517957 (cited by 4 submitters); PubMed 9582350 (cited by 5 submitters); PubMed 26232051 (cited by 4 submitters); PubMed 17576681 (cited by Labcorp Genetics (formerly Invitae), Labcorp); PubMed 9536098 (cited by Labcorp Genetics (formerly Invitae), Labcorp); PubMed 16786533 (cited by Counsyl).

NM_000709.4(BCKDHA):c.853G>C (p.Ala285Pro)

Gene: BCKDHA (branched chain keto acid dehydrogenase E1 subunit alpha; plus strand). Cytogenetic location: 19q13.2.
Variant type: single nucleotide variant.
Coding change: c.853G>C on transcript NM_000709.4 (MANE Select); coding-DNA position 853, G replaced by C.
Protein change: p.Ala285Pro; replaces alanine 285 with proline.
Molecular consequence: missense variant.
Genome position (GRCh38, 1-based): chr19:41,422,370, G>C. VCF-style: chr19-41422370-G-C. GRCh37 (hg19) VCF-style: chr19-41928275-G-C.
Other names: c.853G>C, p.Ala285Pro (NM_001164783.2); short protein forms A285P.
Identifiers: ClinVar variation 93375 (VCV000093375.28), dbSNP rs398123508, ClinGen allele CA221220.